The following is an entry in ClinVar:

NM_004304.5(ALK):c.4589G>A (p.Arg1530Lys)

Gene: ALK (ALK receptor tyrosine kinase; minus strand). Cytogenetic location: 2p23.2.
Variant type: single nucleotide variant.
Coding change: c.4589G>A on transcript NM_004304.5 (MANE Select); coding-DNA position 4589, G replaced by A.
Protein change: p.Arg1530Lys; replaces arginine 1530 with lysine.
Molecular consequence: missense variant.
Genome position (GRCh38, 1-based): chr2:29,193,498, C>T on the plus strand (G>A on the coding strand, the complement: ALK is on the minus strand). VCF-style: chr2-29193498-C-T. GRCh37 (hg19) VCF-style: chr2-29416364-C-T.
Other names: c.1385G>A, p.Arg462Lys (NM_001353765.2); short protein forms R1530K, R462K.
Identifiers: ClinVar variation 859884 (VCV000859884.10), dbSNP rs141242925, ClinGen allele CA44634826.

ClinVar aggregate classification (germline): Conflicting classifications of pathogenicity. Review status: criteria provided, conflicting classifications (1 of 4 stars). 2 submissions from 2 submitters: Uncertain significance (1); Likely benign (1). Last evaluated 2025-11-21.

Conditions:
Neuroblastoma, susceptibility to, 3. Also called: ALK-Related Neuroblastic Tumor Susceptibility. Identifiers: Orphanet 635, MedGen C2751681, MONDO:0013083, OMIM 613014.
Hereditary cancer-predisposing syndrome. Also called: Hereditary neoplastic syndrome; Tumor predisposition; Neoplastic Syndromes, Hereditary; Hereditary Cancer Syndrome. Identifiers: Orphanet 140162, MedGen C0027672, MeSH D009386, MONDO:0015356.

Allele frequency attached by ClinVar (database versions not stated): gnomAD exomes below 0.00001; TOPMed 0.00001; gnomAD 0.00004; ESP Exome Variant Server 0.00008.
gnomAD v4.1: 7 of 1,614,080 alleles (0.00043%); highest among the groups gnomAD compares: African/African-American, 0.0067%; no homozygotes.

Submissions (2):

Labcorp Genetics (formerly Invitae), Labcorp
Classification: Uncertain significance for Neuroblastoma, susceptibility to, 3. Last evaluated: 2025-11-21. Review status: criteria provided, single submitter. Criteria: Invitae Variant Classification Sherloc (09022015). Collection method: clinical testing. Allele origin: germline.
Comment: This sequence change replaces arginine, which is basic and polar, with lysine, which is basic and polar, at codon 1530 of the ALK protein (p.Arg1530Lys). This variant is not present in population databases (gnomAD no frequency). This variant has not been reported in the literature in individuals affected with ALK-related conditions. ClinVar contains an entry for this variant (Variation ID: 859884). An algorithm developed to predict the effect of missense changes on protein structure and function outputs the following: PolyPhen-2: "Benign". The lysine amino acid residue is found in multiple mammalian species, which suggests that this missense change does not adversely affect protein function. In summary, the available evidence is currently insufficient to determine the role of this variant in disease. Therefore, it has been classified as a Variant of Uncertain Significance.

Ambry Genetics
Classification: Likely benign for Hereditary cancer-predisposing syndrome. Last evaluated: 2025-01-02. Review status: criteria provided, single submitter. Criteria: Ambry Variant Classification Scheme 2023. Collection method: clinical testing. Allele origin: germline.